The following is an entry in ClinVar:

ClinVar aggregate classification (germline): Conflicting classifications of pathogenicity. Review status: criteria provided, conflicting classifications (1 of 4 stars). 5 submissions from 5 submitters: Pathogenic (1); Likely pathogenic (1); Uncertain significance (3). Last evaluated 2025-03-21.

Conditions:
Familial melanoma. Also called: Hereditary melanoma; Hereditary cutaneous melanoma. Identifiers: Orphanet 618, MedGen C1512419, MONDO:0018961.
Hereditary cancer-predisposing syndrome. Also called: Tumor predisposition; Hereditary Cancer Syndrome; Hereditary neoplastic syndrome; Neoplastic Syndromes, Hereditary. Identifiers: Orphanet 140162, MedGen C0027672, MeSH D009386, MONDO:0015356.
Melanoma-pancreatic cancer syndrome. Identifiers: Orphanet 404560, MedGen C1838547, MONDO:0011713, OMIM 606719. Disease mechanism: loss of function.

gnomAD v4.1: 2 of 1,604,458 alleles (0.00012%); highest among the groups gnomAD compares: Non-Finnish European, 0.00017%; no homozygotes.

Submissions (5):

Myriad Genetics, Inc.
Classification: Likely pathogenic for Melanoma-pancreatic cancer syndrome. Last evaluated: 2025-03-21. Review status: criteria provided, single submitter. Criteria: Myriad Autosomal Dominant, Autosomal Recessive and X-Linked Classification Criteria (2023). Collection method: clinical testing. Allele origin: unknown.
Comment: This variant is considered likely pathogenic. This variant is expected to disrupt protein structure [Myriad internal data]. This variant has been reported in multiple individuals with clinical features of gene-specific disease [PMID: 21893440, 17218939, 16234564, Myriad internal data, external communications].

Department of Pathology and Laboratory Medicine, Sinai Health System
Classification: Uncertain significance for Melanoma-pancreatic cancer syndrome. Last evaluated: 2024-07-09. Review status: criteria provided, single submitter. Criteria: ACMG Guidelines, 2015. Collection method: clinical testing. Allele origin: germline. Affected: yes.

Labcorp Genetics (formerly Invitae), Labcorp
Classification: Uncertain significance for Familial melanoma. Last evaluated: 2023-12-29. Review status: criteria provided, single submitter. Criteria: Invitae Variant Classification Sherloc (09022015). Collection method: clinical testing. Allele origin: germline.
Comment: This sequence change replaces histidine, which is basic and polar, with glutamine, which is neutral and polar, at codon 83 of the CDKN2A (p16INK4a) protein (p.His83Gln). This variant is not present in population databases (gnomAD no frequency). This missense change has been observed in individual(s) with sporadic or familial melanoma (PMID: 16234564, 16307646, 16896043, 17218939, 20876876, 21462282, 21507037, 21893440, 28146043, 32221274). This variant is also known as c.247C>A, c.295C>A. ClinVar contains an entry for this variant (Variation ID: 429110). An algorithm developed to predict the effect of missense changes on protein structure and function (PolyPhen-2) suggests that this variant is likely to be disruptive. In summary, the available evidence is currently insufficient to determine the role of this variant in disease. Therefore, it has been classified as a Variant of Uncertain Significance.

Ambry Genetics
Classification: Pathogenic for Hereditary cancer-predisposing syndrome. Last evaluated: 2023-07-12. Review status: criteria provided, single submitter. Criteria: Ambry Variant Classification Scheme 2023. Collection method: clinical testing. Allele origin: germline.
Comment: The p.H83Q pathogenic mutation (also known as c.249C>A), located in coding exon 2 of the CDKN2A gene, results from a C to A substitution at nucleotide position 249. The histidine at codon 83 is replaced by glutamine, an amino acid with highly similar properties. This variant has been reported in multiple individuals with melanoma as well as an Italian familial melanoma kindred (Begg CB et al. J Natl Cancer Inst. 2005 Oct 19;97(20):1507-15; Berwick M et al. Cancer Epidemiol Biomarkers Prev. 2006 Aug;15(8):1520-5; Orlow I et al. J Invest Dermatol. 2007 May;127(5):1234-43; Pedace L et al. Cancer Epidemiol. 2011 Dec;35(6):e116-20). Additionally, two disease-causing mutations, p.H83Y and p.H83N, have been described in the same codon (Yarbrough WG et al. J Natl Cancer Inst. 1999 Sep 15;91(18):1569-74; Lang J et al. Br J Dermatol. 2005 Dec;153(6):1121-5). This alteration has been observed in individuals who have a personal or family history that is consistent with CDKN2A-associated disease (Ambry internal data). Based on internal structural assessment, this alteration disrupts the ankyrin domain near its interface with kinases (Ambry internal data; Russo AA et al. Nature.1998 Sep;395(6699):237-43). This amino acid position is highly conserved in available vertebrate species. In addition, this alteration is predicted to be deleterious by in silico analysis. Based on the supporting evidence, this alteration is interpreted as a disease-causing mutation.

Women's Health and Genetics/Laboratory Corporation of America, LabCorp
Classification: Uncertain significance. Last evaluated: 2021-03-07. Review status: criteria provided, single submitter. Criteria: LabCorp Variant Classification Summary - May 2015. Collection method: clinical testing. Allele origin: germline.
Comment: Variant summary: CDKN2A c.249C>A (p.His83Gln) results in a non-conservative amino acid change located in the Ankyrin repeat containing domain (IPR020683) of the encoded protein sequence. Five of five in-silico tools predict a damaging effect of the variant on protein function. The variant was absent in 231524 control chromosomes. The available data on variant occurrences in the general population are insufficient to allow any conclusion about variant significance. c.249C>A has been reported in the literature in at-least one patient with Single primary melanoma with authorship/patient overlap among subsequent studies (example, Begg_2005, Berwick_2006, Orlow_2007), in at-least one patient in the melanoma genetics consortium cohort (Demenais_2010), a patient with sporadic melanoma with no reported family history (Miller_2011), in the setting of familial melanoma originating from Italy with no reported co-segregation evidence and possible cohort overlap (example, Pedace_2011, Pellegrini_2017, De Simone_2020). These report(s) do not provide unequivocal conclusions about association of the variant with inherited Cutaneous Malignant Melanoma. To our knowledge, no experimental evidence demonstrating an impact on protein function has been reported. Two clinical diagnostic laboratories have submitted clinical-significance assessments for this variant to ClinVar after 2014 without evidence for independent evaluation. One laboratory classified the variant as pathogenic and one laboratory classified the variant as uncertain significance citing overlapping evidence utilized in the context of this evaluation. Based on the evidence outlined above, the variant was classified as uncertain significance.

Literature cited by the submitters: PubMed 21893440 (cited by 4 submitters); PubMed 17218939 (cited by 3 submitters); PubMed 16234564 (cited by 4 submitters); PubMed 16896043 (cited by 3 submitters); PubMed 28146043 (cited by 4 submitters); PubMed 33322357 (cited by Department of Pathology and Laboratory Medicine, Sinai Health System and Women's Health and Genetics/Laboratory Corporation of America, LabCorp); PubMed 16307646 (cited by Labcorp Genetics (formerly Invitae), Labcorp); PubMed 20876876 (cited by Labcorp Genetics (formerly Invitae), Labcorp and Women's Health and Genetics/Laboratory Corporation of America, LabCorp); PubMed 21462282 (cited by Labcorp Genetics (formerly Invitae), Labcorp and Women's Health and Genetics/Laboratory Corporation of America, LabCorp); PubMed 21507037 (cited by Labcorp Genetics (formerly Invitae), Labcorp); PubMed 32221274 (cited by Labcorp Genetics (formerly Invitae), Labcorp).

NM_000077.5(CDKN2A):c.249C>A (p.His83Gln)

Gene: CDKN2A (cyclin dependent kinase inhibitor 2A; minus strand). Cytogenetic location: 9p21.3.
Variant type: single nucleotide variant.
Coding change: c.249C>A on transcript NM_000077.5; coding-DNA position 249, C replaced by A.
Protein change: p.His83Gln; replaces histidine 83 with glutamine.
Molecular consequence: missense variant (on NM_000077.6). On other transcripts: synonymous variant (1), 3 prime UTR variant (1).
Genome position (GRCh38, 1-based): chr9:21,971,110, G>T on the plus strand (C>A on the coding strand, the complement: CDKN2A is on the minus strand). VCF-style: chr9-21971110-G-T. GRCh37 (hg19) VCF-style: chr9-21971109-G-T.
Other names: c.249C>A, p.His83Gln (NM_000077.6, NM_001195132.2); c.96C>A, p.His32Gln (NM_001363763.2); c.292C>A, p.Arg98= (NM_058195.4); c.*172C>A (NM_058197.5); short protein forms H83Q, H32Q.
Identifiers: ClinVar variation 429110 (VCV000429110.14), dbSNP rs34968276, ClinGen allele CA190730129.